The following is an entry in ClinVar:

ClinVar aggregate classification (germline): Uncertain significance. Review status: criteria provided, multiple submitters, no conflicts (2 of 4 stars). 3 submissions from 3 submitters: Uncertain significance (2). 1 of the submissions does not count toward it. Last evaluated 2022-07-01.

Conditions:
FANCE-related disorder. Also called: FANCE-related condition.
Fanconi anemia complementation group E (FANCE). Also called: FANCE-Related Fanconi Anemia. Identifiers: Orphanet 84, MedGen C3160739, MONDO:0010953, OMIM 600901.

Allele frequency attached by ClinVar (database versions not stated): TOPMed below 0.00001; gnomAD 0.00001 and 0.00006; gnomAD exomes 0.00005 and 0.00089; 1000 Genomes Project 0.00060; 1000 Genomes Project 30x 0.00109; ExAC 0.00245.
gnomAD v4.1: 63 of 1,252,284 alleles (0.005%); highest among the groups gnomAD compares: South Asian, 0.2%; 1 homozygote.

Submissions (3):

Labcorp Genetics (formerly Invitae), Labcorp
Classification: Uncertain significance for Fanconi anemia complementation group E. Last evaluated: 2022-07-01. Review status: criteria provided, single submitter. Criteria: Invitae Variant Classification Sherloc (09022015). Collection method: clinical testing. Allele origin: germline.
Comment: This sequence change replaces alanine, which is neutral and non-polar, with valine, which is neutral and non-polar, at codon 35 of the FANCE protein (p.Ala35Val). This variant is present in population databases (rs570498238, gnomAD 0.4%). This variant has not been reported in the literature in individuals affected with FANCE-related conditions. ClinVar contains an entry for this variant (Variation ID: 1327103). Algorithms developed to predict the effect of missense changes on protein structure and function are either unavailable or do not agree on the potential impact of this missense change (SIFT: "Tolerated"; PolyPhen-2: "Possibly Damaging"; Align-GVGD: "Class C0"). Algorithms developed to predict the effect of sequence changes on RNA splicing suggest that this variant may create or strengthen a splice site. In summary, the available evidence is currently insufficient to determine the role of this variant in disease. Therefore, it has been classified as a Variant of Uncertain Significance.

Baylor Genetics
Classification: Uncertain significance for Fanconi anemia complementation group E. Last evaluated: 2021-04-08. Review status: criteria provided, single submitter. Criteria: ACMG Guidelines, 2015. Collection method: clinical testing. Allele origin: unknown. Affected: yes. Study: CSER-TexasKidsCanSeq.
Comment: This variant was determined to be of uncertain significance according to ACMG Guidelines, 2015 [PMID:25741868].

PreventionGenetics, part of Exact Sciences
Classification: Likely benign for FANCE-related condition. Last evaluated: 2024-01-05. Review status: no assertion criteria provided. Collection method: clinical testing. Allele origin: germline. Not counted in ClinVar's aggregate classification.
Comment: This variant is classified as likely benign based on ACMG/AMP sequence variant interpretation guidelines (Richards et al. 2015 PMID: 25741868, with internal and published modifications).

NM_021922.3(FANCE):c.104C>T (p.Ala35Val)

Genes: FANCE (FA complementation group E; plus strand), LOC129996245 (ATAC-STARR-seq lymphoblastoid silent region 17092; plus strand). Cytogenetic location: 6p21.31.
Variant type: single nucleotide variant.
Coding change: c.104C>T on transcript NM_021922.3 (MANE Select); coding-DNA position 104, C replaced by T.
Protein change: p.Ala35Val; replaces alanine 35 with valine.
Molecular consequence: missense variant.
Genome position (GRCh38, 1-based): chr6:35,452,649, C>T. VCF-style: chr6-35452649-C-T. GRCh37 (hg19) VCF-style: chr6-35420426-C-T.
Other names: short protein forms A35V.
Identifiers: ClinVar variation 1327103 (VCV001327103.8), dbSNP rs570498238, ClinGen allele CA3771351.
Genomic context (GRCh38, chr6:35,452,649, plus strand): 5'-AGCCGGCGCCCTGGGCGCAGCTGGAGGCCCCCGCCCGCCTCCTGCTGCAGGCGCTGCAGG[C>T]GGGGCCTGAGGGGGCGCGGCGCGGCCTGGGGGTGCTCCGGGCGCTGGGCAGCCGCGGCTG-3'
Protein context (NP_068741.1, residues 25-45): PARLLLQALQ[Ala35Val]GPEGARRGLG